The following is an entry in ClinVar:

NM_001128840.3(CACNA1D):c.1363G>A (p.Glu455Lys)

Gene: CACNA1D (calcium voltage-gated channel subunit alpha1 D; plus strand). Cytogenetic location: 3p21.1.
Variant type: single nucleotide variant.
Coding change: c.1363G>A on transcript NM_001128840.3 (MANE Select); coding-DNA position 1363, G replaced by A.
Protein change: p.Glu455Lys; replaces glutamic acid 455 with lysine.
Molecular consequence: missense variant.
Genome position (GRCh38, 1-based): chr3:53,702,783, G>A. VCF-style: chr3-53702783-G-A. GRCh37 (hg19) VCF-style: chr3-53736810-G-A.
Other names: c.1363G>A, p.Glu455Lys (NM_000720.4, NM_001128839.3); short protein forms E455K.
Identifiers: ClinVar variation 2805394 (VCV002805394.3), dbSNP rs1286034886, ClinGen allele CA353384564.

ClinVar aggregate classification (germline): Uncertain significance (1 of 4 stars; one submission).

Submission:

Labcorp Genetics (formerly Invitae), Labcorp
Classification: Uncertain significance. Last evaluated: 2023-08-24. Review status: criteria provided, single submitter. Criteria: Invitae Variant Classification Sherloc (09022015). Collection method: clinical testing. Allele origin: germline.
Comment: In summary, the available evidence is currently insufficient to determine the role of this variant in disease. Therefore, it has been classified as a Variant of Uncertain Significance. An algorithm developed to predict the effect of missense changes on protein structure and function (PolyPhen-2) suggests that this variant is likely to be disruptive. This variant has not been reported in the literature in individuals affected with CACNA1D-related conditions. This variant is present in population databases (no rsID available, gnomAD 0.006%). This sequence change replaces glutamic acid, which is acidic and polar, with lysine, which is basic and polar, at codon 455 of the CACNA1D protein (p.Glu455Lys).